The following is an entry in ClinVar:

ClinVar aggregate classification (germline): Uncertain significance (1 of 4 stars; one submission).

Conditions:
Congenital myasthenic syndrome 10. Also called: Myasthenia, limb-girdle, familial. Identifiers: Orphanet 590, MedGen C1850792, MONDO:0009690, OMIM 254300.
Fetal akinesia deformation sequence 1 (FADS1). Also called: Pena-Shokeir syndrome type I; Fetal akinesia sequence. Identifiers: Orphanet 994, MedGen C1276035, MONDO:0100101, OMIM 208150, HP:0001989.

Submission:

Labcorp Genetics (formerly Invitae), Labcorp
Classification: Uncertain significance for Congenital myasthenic syndrome 10; Fetal akinesia deformation sequence 1. Last evaluated: 2018-06-21. Review status: criteria provided, single submitter. Criteria: Invitae Variant Classification Sherloc (09022015). Collection method: clinical testing. Allele origin: germline.
Comment: This sequence change duplicates 233 nucleotides in the last exon of the¬†DOK7¬†gene (c.1074_1306dup), causing a frameshift at codon¬†436¬†(p.Gly436Alafs*98). While this is not anticipated to result in nonsense mediated decay, it is expected to disrupt the last 69 amino acids of the¬†DOK7¬†protein, and to extend the protein by an additional 28 amino acids. This variant has not been reported in the literature in individuals with DOK7-related disease. In summary, the available evidence is currently insufficient to determine the role of this variant in disease. Therefore, it has been classified as a Variant of Uncertain Significance.

NC_000004.11:g.(?_3494787)_3495019dup

Gene: DOK7 (docking protein 7; plus strand).
Variant type: Duplication.
Identifiers: ClinVar variation 1042916 (VCV001042916.2).